The following is an entry in ClinVar:

ClinVar aggregate classification (germline): Pathogenic/Likely pathogenic. Review status: criteria provided, multiple submitters, no conflicts (2 of 4 stars). 7 submissions from 7 submitters: Pathogenic (5); Likely pathogenic (2). Last evaluated 2026-04-16.

Conditions:
COL4A3-related disorder. Also called: COL4A3-Related Disorders; COL4A3-related condition.
Alport syndrome 3b, autosomal recessive. Identifiers: MedGen C5882699, MONDO:0957811, OMIM 620536.
Autosomal recessive Alport syndrome (ATS2). Also called: ALPORT SYNDROME 2, AUTOSOMAL RECESSIVE; Alport syndrome type 2; COL4A3-Related Nephropathy; COL4A4 Alport Syndrome and Thin Basement Membrane Nephropathy. Identifiers: Orphanet 63, Orphanet 88919, MedGen C4746745, MONDO:0008762, OMIM 203780.
Autosomal dominant Alport syndrome (ATS3A). Also called: ALPORT SYNDROME 3A, AUTOSOMAL DOMINANT; Alport syndrome dominant type; Renal failure and sensorineural hearing loss. Identifiers: Orphanet 63, Orphanet 88918, MedGen C5882663, MONDO:0007086, OMIM 104200.
Hematuria, benign familial, 2 (BFH2). Identifiers: MedGen C5830421, MONDO:0958186, OMIM 620320.
Alport syndrome. Also called: Hemorrhagic familial nephritis; Hemorrhagic hereditary nephritis; Congenital hereditary hematuria. Identifiers: Orphanet 63, MedGen C1567741, MONDO:0018965.

Allele frequency attached by ClinVar (database versions not stated): gnomAD 0.00001; gnomAD exomes below 0.00001.
gnomAD v4.1: 4 of 1,526,090 alleles (0.00026%); highest among the groups gnomAD compares: East Asian, 0.0025%; no homozygotes.

Submissions (7):

GeneDx
Classification: Pathogenic. Last evaluated: 2026-04-16. Review status: criteria provided, single submitter. Criteria: GeneDx Variant Classification Process June 2021. Collection method: clinical testing. Allele origin: germline.
Comment: Nonsense variant predicted to result in protein truncation or nonsense mediated decay in a gene for which loss of function is a known mechanism of disease; Not observed at significant frequency in large population cohorts (gnomAD); This variant is associated with the following publications: (PMID: 36117978, 39558648)

3billion
Classification: Pathogenic for Alport syndrome 3b, autosomal recessive. Last evaluated: 2026-01-06. Review status: criteria provided, single submitter. Criteria: ACMG Guidelines, 2015. Collection method: clinical testing. Allele origin: germline. Affected: yes.
Comment: The variant is observed at an extremely low frequency in the gnomAD v4.1.0 dataset (total allele frequency: <0.001%). Predicted Consequence/Location: Stop-gained (nonsense): predicted to result in a loss or disruption of normal protein function through nonsense-mediated decay (NMD) or protein truncation. Multiple pathogenic variants are reported downstream of the variant. The variant has been reported at least twice as pathogenic without evidence for the classification (ClinVar ID: VCV000807562 /PMID: 36117978 /3billion dataset). Therefore, this variant is classified as Pathogenic according to the recommendation of ACMG/AMP guideline.

Natera, Inc.
Classification: Pathogenic for Alport syndrome. Last evaluated: 2025-07-03. Review status: criteria provided, single submitter. Criteria: Natera Variant Classification Schema (03/2026). Collection method: clinical testing. Allele origin: germline.
Comment: The c.28C>T variant in COL4A3 is a nonsense variant predicted to introduce a stop codon at amino acid 10. This variant is expected to result in nonsense mediated decay, truncation, or a dysfunctional protein product. This variant is rare in the general population with a frequency below the threshold expected for the associated phenotype(s). This variant has been observed in one or more individuals affected with the associated recessive disease, as either homozygous or compound heterozygous with a second variant (PMID: 36117978). Given the available evidence, this variant is classified as Pathogenic.

Fulgent Genetics
Classification: Likely pathogenic for Autosomal dominant Alport syndrome; Hematuria, benign familial, 2; Alport syndrome 3b, autosomal recessive. Last evaluated: 2024-06-06. Review status: criteria provided, single submitter. Criteria: ACMG Guidelines, 2015. Collection method: clinical testing. Allele origin: germline.

Blueprint Genetics
Classification: Likely pathogenic for COL4A3-related disorders. Last evaluated: 2024-05-08. Review status: criteria provided, single submitter. Criteria: ACMG Guidelines, 2015. Collection method: clinical testing. Allele origin: germline. Affected: yes. Observed: 2 variant alleles.

Labcorp Genetics (formerly Invitae), Labcorp
Classification: Pathogenic. Last evaluated: 2024-02-06. Review status: criteria provided, single submitter. Criteria: Invitae Variant Classification Sherloc (09022015). Collection method: clinical testing. Allele origin: germline.
Comment: This sequence change creates a premature translational stop signal (p.Gln10*) in the COL4A3 gene. It is expected to result in an absent or disrupted protein product. Loss-of-function variants in COL4A3 are known to be pathogenic (PMID: 8956999, 24854265, 26809805, 27281700). The frequency data for this variant in the population databases is considered unreliable, as metrics indicate poor data quality at this position in the gnomAD database. This variant has not been reported in the literature in individuals affected with COL4A3-related conditions. ClinVar contains an entry for this variant (Variation ID: 807562). For these reasons, this variant has been classified as Pathogenic.

Institute of Human Genetics Munich, TUM University Hospital
Classification: Pathogenic for Autosomal recessive Alport syndrome. Last evaluated: 2019-06-07. Review status: criteria provided, single submitter. Criteria: Classification criteria August 2017. Collection method: clinical testing. Allele origin: paternal. Inheritance: Autosomal recessive inheritance. Affected: yes. Observed: 2 compound heterozygotes.

Literature cited by the submitters: PubMed 36117978 (cited by 3billion and Natera, Inc.); PubMed 8956999 (cited by Labcorp Genetics (formerly Invitae), Labcorp); PubMed 24854265 (cited by Labcorp Genetics (formerly Invitae), Labcorp); PubMed 26809805 (cited by Labcorp Genetics (formerly Invitae), Labcorp); PubMed 27281700 (cited by Labcorp Genetics (formerly Invitae), Labcorp).

NM_000091.5(COL4A3):c.28C>T (p.Gln10Ter)

Genes: COL4A3 (collagen type IV alpha 3 chain; plus strand), LOC129935730 (ATAC-STARR-seq lymphoblastoid silent region 12397; plus strand). Cytogenetic location: 2q36.3.
Variant type: single nucleotide variant.
Coding change: c.28C>T on transcript NM_000091.5 (MANE Select); coding-DNA position 28, C replaced by T.
Protein change: p.Gln10Ter; replaces glutamine 10 with a stop codon.
Molecular consequence: nonsense.
Genome position (GRCh38, 1-based): chr2:227,164,754, C>T. VCF-style: chr2-227164754-C-T. GRCh37 (hg19) VCF-style: chr2-228029470-C-T.
Other names: short protein forms Q10*.
Identifiers: ClinVar variation 807562 (VCV000807562.16), dbSNP rs1453590085, ClinGen allele CA350845978.